The following is an entry in ClinVar:

ClinVar aggregate classification (germline): Pathogenic. Review status: criteria provided, multiple submitters, no conflicts (2 of 4 stars). 2 submissions from 2 submitters: Pathogenic (2). Last evaluated 2023-06-28.

Conditions:
Familial cancer of breast. Also called: hereditary breast carcinoma; Hereditary breast cancer; BREAST CANCER, FAMILIAL. Identifiers: Orphanet 227535, MedGen C0346153, MONDO:0016419, OMIM 114480. Disease mechanism: loss of function.

gnomAD v4.1: 1 of 1,612,652 alleles (0.000062%); highest among the groups gnomAD compares: East Asian, 0.0022%; no homozygotes.

Submissions (2):

Myriad Genetics, Inc.
Classification: Pathogenic for Familial cancer of breast. Last evaluated: 2023-06-28. Review status: criteria provided, single submitter. Criteria: Myriad Autosomal Dominant, Autosomal Recessive and X-Linked Classification Criteria (2023). Collection method: clinical testing. Allele origin: unknown.
Comment: This variant is considered pathogenic. This variant creates a termination codon and is predicted to result in premature protein truncation.

Labcorp Genetics (formerly Invitae), Labcorp
Classification: Pathogenic for Familial cancer of breast. Last evaluated: 2021-02-03. Review status: criteria provided, single submitter. Criteria: Invitae Variant Classification Sherloc (09022015). Collection method: clinical testing. Allele origin: germline.
Comment: This sequence change creates a premature translational stop signal (p.Glu450*) in the CHEK2 gene. It is expected to result in an absent or disrupted protein product. Loss-of-function variants in CHEK2 are known to be pathogenic (PMID: 21876083, 24713400). This variant is not present in population databases (ExAC no frequency). This variant has not been reported in the literature in individuals with CHEK2-related conditions. ClinVar contains an entry for this variant (Variation ID: 954385). For these reasons, this variant has been classified as Pathogenic.

Literature cited by the submitters: PubMed 21876083 (cited by Labcorp Genetics (formerly Invitae), Labcorp); PubMed 24713400 (cited by Labcorp Genetics (formerly Invitae), Labcorp).

NM_007194.4(CHEK2):c.1348G>T (p.Glu450Ter)

Gene: CHEK2 (checkpoint kinase 2; minus strand). Cytogenetic location: 22q12.1.
Variant type: single nucleotide variant.
Coding change: c.1348G>T on transcript NM_007194.4 (MANE Select); coding-DNA position 1348, G replaced by T.
Protein change: p.Glu450Ter; replaces glutamic acid 450 with a stop codon.
Molecular consequence: nonsense.
Genome position (GRCh38, 1-based): chr22:28,695,154, C>A on the plus strand (G>T on the coding strand, the complement: CHEK2 is on the minus strand). VCF-style: chr22-28695154-C-A. GRCh37 (hg19) VCF-style: chr22-29091142-C-A.
Other names: c.1477G>T, p.Glu493Ter (NM_001005735.3); c.685G>T, p.Glu229Ter (NM_001257387.3); c.1147G>T, p.Glu383Ter (NM_001349956.3); c.1261G>T, p.Glu421Ter (NM_145862.3); short protein forms E383*, E493*, E229*, E421*, E450*.
Identifiers: ClinVar variation 954385 (VCV000954385.10), dbSNP rs1555913429, ClinGen allele CA411095615.